The following is an entry in ClinVar:

NM_018082.6(POLR3B):c.1244T>C (p.Met415Thr)

Gene: POLR3B (RNA polymerase III subunit B; plus strand). Cytogenetic location: 12q23.3.
Variant type: single nucleotide variant.
Coding change: c.1244T>C on transcript NM_018082.6 (MANE Select); coding-DNA position 1244, T replaced by C.
Protein change: p.Met415Thr; replaces methionine 415 with threonine.
Molecular consequence: missense variant.
Genome position (GRCh38, 1-based): chr12:106,427,339, T>C. VCF-style: chr12-106427339-T-C. GRCh37 (hg19) VCF-style: chr12-106821117-T-C.
Other names: p.Met415Thr; NM_018082.6(POLR3B):c.1244T>C; c.1070T>C, p.Met357Thr (NM_001160708.2); short protein forms M415T, M357T.
Identifiers: ClinVar variation 285205 (VCV000285205.73), dbSNP rs199504211, ClinGen allele CA6761899.

ClinVar aggregate classification (germline): Conflicting classifications of pathogenicity. Review status: criteria provided, conflicting classifications (1 of 4 stars). 23 submissions from 22 submitters: Pathogenic (6); Likely pathogenic (8); Uncertain significance (7). 2 of the submissions do not count toward it. Last evaluated 2026-10-13.

Conditions:
Leukodystrophy, hypomyelinating, 8, with or without oligodontia and/or hypogonadotropic hypogonadism. Also called: LEUKODYSTROPHY, HYPOMYELINATING, 8, WITH HYPODONTIA AND HYPOGONADOTROPIC HYPOGONADISM; Hypomyelinating leukodystrophy 8 with or without oligodontia and-or hypogonadotropic hypogonadism; Endosteal sclerosis-cerebellar hypoplasia syndrome. Identifiers: Orphanet 85186, Orphanet 88637, MedGen C3280644, MONDO:0013722, OMIM 614381.
Charcot-Marie-Tooth disease, demyelinating, IIA 1I. Also called: Charcot-Marie-Tooth disease, demyelinating, type 1I; CHARCOT-MARIE-TOOTH NEUROPATHY, TYPE 1I. Identifiers: MedGen C5676914, MONDO:0030677, OMIM 619742.
Inborn genetic diseases. Identifiers: MedGen C0950123, MeSH D030342.
POLR-related leukodystrophy. Also called: 4H leukodystrophy. Identifiers: Orphanet 289494, MedGen C5679947, MONDO:0100605.
POLR3B-related disorder. Also called: POLR3B-related condition; POLR3B-related disorders. Identifiers: MedGen CN378588, MONDO:0700277.
Intellectual disability. Also called: Intellectual developmental disorder; Intellectual functioning disability; intellectual disabilities. Identifiers: MedGen C3714756, MeSH D008607, MONDO:0001071, HP:0001249.
Hypogonadotropic hypogonadism 7 with or without anosmia (HH7). Also called: HYPOGONADOTROPIC HYPOGONADISM 7 WITHOUT ANOSMIA; GNRHR-Related GnRH Deficiency. Identifiers: Orphanet 432, MedGen C0342384, MONDO:0007794, OMIM 146110.
Leukodystrophy, hypomyelinating, 7, with or without oligodontia and/or hypogonadotropic hypogonadism (HLD7). Also called: Ataxia, Delayed Dentition and Hypomyelination (ADDH); LEUKOENCEPHALOPATHY, HYPOMYELINATING, WITH ATAXIA AND DELAYED DENTITION; ATAXIA, DELAYED DENTITION, AND HYPOMYELINATION; LEUKODYSTROPHY, HYPOMYELINATING, 7, WITH OLIGODONTIA; LEUKODYSTROPHY, HYPOMYELINATING, 7, WITH OLIGODONTIA AND HYPOGONADOTROPIC HYPOGONADISM; LEUKODYSTROPHY, HYPOMYELINATING, 7, WITHOUT OLIGODONTIA OR HYPOGONADOTROPIC HYPOGONADISM. Identifiers: Orphanet 137639, Orphanet 447893, Orphanet 447896, Orphanet 77295, Orphanet 88637, MedGen CN034185, MONDO:0011897, OMIM 607694.
Amenorrhea. Identifiers: MedGen C0002453, MONDO:0001836, HP:0000141.

Allele frequency attached by ClinVar (database versions not stated): 1000 Genomes Project 30x 0.00016; gnomAD 0.00066 and 0.00069; 1000 Genomes Project 0.00020; gnomAD exomes 0.00091 and 0.00055; TOPMed 0.00058; ExAC 0.00062; ESP Exome Variant Server 0.00077.
gnomAD v4.1: 1,406 of 1,613,792 alleles (0.087%); highest among the groups gnomAD compares: Non-Finnish European, 0.12%; 1 homozygote.

Submissions 1 to 8 of 23:

GeneDx
Classification: Pathogenic. Last evaluated: 2026-10-13. Review status: criteria provided, single submitter. Criteria: GeneDx Variant Classification Process June 2021. Collection method: clinical testing. Allele origin: germline.
Comment: In silico analysis supports that this missense variant has a deleterious effect on protein structure/function; This variant is associated with the following publications: (PMID: 35316923, 27512013, 33726816, 34440436, 32870266, 27029625, 25133958, 32345981, 22855961, 37273706, 36268624)

Women's Health and Genetics/Laboratory Corporation of America, LabCorp
Classification: Uncertain significance. Last evaluated: 2026-05-11. Review status: criteria provided, single submitter. Criteria: LabCorp Variant Classification Summary - May 2015. Collection method: clinical testing. Allele origin: germline.
Comment: Variant summary: POLR3B c.1244T>C (p.Met415Thr) results in a non-conservative amino acid change in the encoded protein sequence. Algorithms developed to predict the effect of missense changes on protein structure and function are either unavailable or do not agree on the potential impact of this missense change. The variant allele was found at a frequency of 0.00055 in 251068 control chromosomes (gnomAD). This frequency is not significantly higher than estimated for disease-causing variants in POLR3B, allowing no conclusion about variant significance. c.1244T>C has been reported in the literature in individuals affected with POLR3-Related Leukodystrophy, cerebellar ataxia, isolated hypogonadotropic hypogonadism (Barbosa-Gouveia_2021, Fogel_2014, Richards_2017) and in an individual with clinical features of ataxia, myopia, developmental delay, short stature, and cerebellar atrophy (La Piana_2016). In all cases, the second alleles reported in the patients were of unknown or uncertain significance. These reports do not provide unequivocal conclusions about association of the variant with POLR3-Related Leukodystrophy. To our knowledge, no experimental evidence demonstrating an impact on protein function has been reported. The following publications have been ascertained in the context of this evaluation (PMID: 34440436, 32345981, 32870266, 25133958, 27029625, 40554621, 27512013, 33726816). ClinVar contains an entry for this variant (Variation ID: 285205). Based on the evidence outlined above, the variant was classified as uncertain significance.

Mendelics
Classification: Pathogenic for Leukodystrophy, hypomyelinating, 8, with or without oligodontia and/or hypogonadotropic hypogonadism. Last evaluated: 2026-03-05. Review status: criteria provided, single submitter. Criteria: ACMG Guidelines, 2015. Collection method: clinical testing. Allele origin: unknown.
Comment: Likely pathogenic/Pathogenic according to ACMG criteria.

CeGaT Center for Human Genetics Tuebingen
Classification: Pathogenic. Last evaluated: 2026-03-01. Review status: criteria provided, single submitter. Criteria: CeGaT Center For Human Genetics Tuebingen Variant Classification Criteria Version 2. Collection method: clinical testing. Allele origin: germline. Affected: yes. Observed: 5 variant alleles.
Comment: POLR3B: PM3:Very Strong, PM2:Supporting, PP2

Labcorp Genetics (formerly Invitae), Labcorp
Classification: Uncertain significance. Last evaluated: 2025-10-13. Review status: criteria provided, single submitter. Criteria: Invitae Variant Classification Sherloc (09022015). Collection method: clinical testing. Allele origin: germline.
Comment: This sequence change replaces methionine, which is neutral and non-polar, with threonine, which is neutral and polar, at codon 415 of the POLR3B protein (p.Met415Thr). This variant is present in population databases (rs199504211, gnomAD 0.1%), and has an allele count higher than expected for a pathogenic variant. This missense change has been observed in individual(s) with clinical features of autosomal recessive POLR3B-related conditions (PMID: 25133958, 27029625, 27512013, 34440436, 35316923, 36268624, 37273706). ClinVar contains an entry for this variant (Variation ID: 285205). Invitae Evidence Modeling of protein sequence and biophysical properties (such as structural, functional, and spatial information, amino acid conservation, physicochemical variation, residue mobility, and thermodynamic stability) indicates that this missense variant is not expected to disrupt POLR3B protein function with a negative predictive value of 80%. In summary, the available evidence is currently insufficient to determine the role of this variant in disease. Therefore, it has been classified as a Variant of Uncertain Significance.

Mayo Clinic Laboratories, Mayo Clinic
Classification: Likely pathogenic. Last evaluated: 2025-09-25. Review status: criteria provided, single submitter. Criteria: ACMG Guidelines, 2015. Collection method: clinical testing. Allele origin: germline. Observed: 2 variant alleles.
Comment: PP3_moderate, PM3_strong

Broad Center for Mendelian Genomics, Broad Institute of MIT and Harvard
Classification: Likely pathogenic for Leukodystrophy, hypomyelinating, 8, with or without oligodontia and/or hypogonadotropic hypogonadism. Last evaluated: 2025-05-07. Review status: criteria provided, single submitter. Criteria: ACMG Guidelines, 2015. Collection method: curation. Allele origin: germline. Inheritance: Autosomal recessive inheritance.
Comment: The p.Met415Thr variant in POLR3B has been reported in 7 individuals with 4H leukodystrophy (PMID: 27512013, 25133958, 27029625, 33726816, 34440436, 31996231), and has been identified in 0.11% (149/128840) of European (non-Finnish) chromosomes by the Genome Aggregation Database (gnomAD; dbSNP ID: rs199504211). Although this variant has been seen in the general population in a heterozygous state, its frequency is not high enough to rule out a pathogenic role. This variant has also been reported in ClinVar (Variation ID#: 285205) and has been interpreted as VUS by multiple submitters, and likely pathogenic/pathogenic by multiple submitters. Of the 7 affected individuals, 2 were compound heterozygotes that carried reported pathogenic variants in trans, which increases the likelihood that the p.Met415Thr variant is pathogenic (VariationID: 620581; PMID: 31996231, 27512013). Computational prediction tools and conservation analyses suggest that this variant may impact the protein, though this information is not predictive enough to determine pathogenicity. The number of missense variants reported in POLR3B in the general population is lower than expected, suggesting there is little benign variation in this gene and slightly increasing the possibility that a missense variant in this gene may not be tolerated. In summary, although additional studies are required to fully establish its clinical significance, this variant is likely pathogenic for autosomal recessive 4H leukodystrophy. ACMG/AMP Criteria applied: PM3_strong, PP3_moderate, PP2 (Richards 2015).

Genetic Services Laboratory, University of Chicago
Classification: Likely pathogenic. Last evaluated: 2024-12-23. Review status: criteria provided, single submitter. Criteria: ACMG Guidelines, 2015. Collection method: clinical testing. Allele origin: germline. Affected: yes.
Comment: DNA sequence of the POLR3B gene demonstrated a sequence change, c.1244T>C, in exon 13 that results in an amino acid change, p.Met415Thr. This sequence change has been previously reported in the compound heterozygous state in several individuals with sporadic cerebellar ataxia, nystagmus, and/or hypogonadotropic hypogonadism [PMID: 25133958, 34440436, 32870266, 27512013]. This sequence change has been described in the gnomAD database with a frequency of 0.12% in the European (non-Finnish) subpopulation (dbSNP rs199504211). The p.Met415Thr change affects a moderately conserved amino acid residue located in a domain of the POLR3B protein that is known to be functional. The p.Met415Thr substitution appears to be deleterious/possibly damaging using several in-silico pathogenicity prediction tools (SIFT, PolyPhen2, Align GVGD, REVEL). Collectively this evidence indicates that this variant is likely pathogenic.